The following is an entry in ClinVar:

ClinVar aggregate classification (germline): Uncertain significance (1 of 4 stars; one submission).

Conditions:
Hereditary spastic paraplegia 4. Also called: Spastic paraplegia 4, autosomal dominant; Spastic Paraplegia 4; Familial spastic paraplegia autosomal dominant 2. Identifiers: Orphanet 100985, MedGen C1866855, MONDO:0008438, OMIM 182601.

Submission:

Labcorp Genetics (formerly Invitae), Labcorp
Classification: Uncertain significance for Hereditary spastic paraplegia 4. Last evaluated: 2020-02-12. Review status: criteria provided, single submitter. Criteria: Invitae Variant Classification Sherloc (09022015). Collection method: clinical testing. Allele origin: germline.
Comment: This variant has not been reported in the literature in individuals with SPAST-related disease. ClinVar contains an entry for this variant (Variation ID: 219966). This variant disrupts the p.Arg372 amino acid residue in SPAST. Other variant(s) that disrupt this residue have been determined to be pathogenic (Invitae). This suggests that this residue is clinically significant, and that variants that disrupt this residue are likely to be disease-causing. In summary, the available evidence is currently insufficient to determine the role of this variant in disease. Therefore, it has been classified as a Variant of Uncertain Significance. Algorithms developed to predict the effect of missense changes on protein structure and function do not agree on the potential impact of this missense change (SIFT: "Deleterious"; PolyPhen-2: "Probably Damaging"; Align-GVGD: "Class C65"). This variant is not present in population databases (ExAC no frequency). This sequence change replaces arginine with isoleucine at codon 372 of the SPAST protein (p.Arg372Ile). The arginine residue is highly conserved and there is a moderate physicochemical difference between arginine and isoleucine.

NM_014946.4(SPAST):c.1115G>T (p.Arg372Ile)

Gene: SPAST (spastin; plus strand). Cytogenetic location: 2p22.3.
Variant type: single nucleotide variant.
Coding change: c.1115G>T on transcript NM_014946.4 (MANE Select); coding-DNA position 1115, G replaced by T.
Protein change: p.Arg372Ile; replaces arginine 372 with isoleucine.
Molecular consequence: missense variant.
Genome position (GRCh38, 1-based): chr2:32,126,964, G>T. VCF-style: chr2-32126964-G-T. GRCh37 (hg19) VCF-style: chr2-32352033-G-T.
Other names: c.1112G>T, p.Arg371Ile (NM_001363823.2); c.1016G>T, p.Arg339Ile (NM_001363875.2); c.1019G>T, p.Arg340Ile (NM_001377959.1, NM_199436.2); short protein forms R372I, R339I, R340I, R371I.
Identifiers: ClinVar variation 219966 (VCV000219966.8), dbSNP rs864622327, ClinGen allele CA348091.